The following is an entry in ClinVar:

ClinVar aggregate classification (germline): Uncertain significance (1 of 4 stars; one submission).

Allele frequency attached by ClinVar (database versions not stated): gnomAD exomes below 0.00001.
gnomAD v4.1: 1 of 1,614,126 alleles (0.000062%); highest among the groups gnomAD compares: African/African-American, 0.0013%; no homozygotes.

Submission:

Ambry Genetics
Classification: Uncertain significance. Last evaluated: 2024-03-04. Review status: criteria provided, single submitter. Criteria: Ambry Variant Classification Scheme 2023. Collection method: clinical testing. Allele origin: germline.
Comment: The p.I64R variant (also known as c.191T>G), located in coding exon 2 of the IDH1 gene, results from a T to G substitution at nucleotide position 191. The isoleucine at codon 64 is replaced by arginine, an amino acid with similar properties. This amino acid position is conserved. In addition, the in silico prediction for this alteration is inconclusive. Based on the available evidence, the clinical significance of this alteration remains unclear.

NM_005896.4(IDH1):c.191T>G (p.Ile64Arg)

Gene: IDH1 (isocitrate dehydrogenase (NADP(+)) 1; minus strand). Cytogenetic location: 2q34.
Variant type: single nucleotide variant.
Coding change: c.191T>G on transcript NM_005896.4 (MANE Select); coding-DNA position 191, T replaced by G.
Protein change: p.Ile64Arg; replaces isoleucine 64 with arginine.
Molecular consequence: missense variant.
Genome position (GRCh38, 1-based): chr2:208,248,592, A>C on the plus strand (T>G on the coding strand, the complement: IDH1 is on the minus strand). VCF-style: chr2-208248592-A-C. GRCh37 (hg19) VCF-style: chr2-209113316-A-C.
Other names: c.191T>G, p.Ile64Arg (NM_001282386.1, NM_001282387.1); short protein forms I64R.
Identifiers: ClinVar variation 3225132 (VCV003225132.1), dbSNP rs2124863739, ClinGen allele CA350102415.